The following is an entry in ClinVar:

NM_006015.6(ARID1A):c.4669C>T (p.Pro1557Ser)

Gene: ARID1A (AT-rich interaction domain 1A; plus strand). Cytogenetic location: 1p36.11.
Variant type: single nucleotide variant.
Coding change: c.4669C>T on transcript NM_006015.6 (MANE Select); coding-DNA position 4669, C replaced by T.
Protein change: p.Pro1557Ser; replaces proline 1557 with serine.
Molecular consequence: missense variant. On other transcripts: intron variant (1).
Genome position (GRCh38, 1-based): chr1:26,774,896, C>T. VCF-style: chr1-26774896-C-T. GRCh37 (hg19) VCF-style: chr1-27101387-C-T.
Other names: c.4102-84C>T (NM_139135.4); short protein forms P1557S.
Identifiers: ClinVar variation 3628067 (VCV003628067.3).

ClinVar aggregate classification (germline): Uncertain significance. Review status: criteria provided, multiple submitters, no conflicts (2 of 4 stars). 2 submissions from 2 submitters: Uncertain significance (2). Last evaluated 2024-12-17.

Conditions:
ARID1A-related disorder. Also called: ARID1A-related condition.

gnomAD v4.1: 1 of 1,418,690 alleles (0.00007%); highest among the groups gnomAD compares: Non-Finnish European, 0.000095%; no homozygotes.

Submissions (2):

PreventionGenetics, part of Exact Sciences
Classification: Uncertain significance for ARID1A-related condition. Last evaluated: 2024-12-17. Review status: criteria provided, single submitter. Criteria: ACMG Guidelines, 2015. Collection method: clinical testing. Allele origin: germline.
Comment: The ARID1A c.4669C>T variant is predicted to result in the amino acid substitution p.Pro1557Ser. To our knowledge, this variant has not been reported in the literature or in a large population database (gnomAD), indicating this variant is rare. At this time, the clinical significance of this variant is uncertain due to the absence of conclusive functional and genetic evidence.

Labcorp Genetics (formerly Invitae), Labcorp
Classification: Uncertain significance. Last evaluated: 2024-07-06. Review status: criteria provided, single submitter. Criteria: Invitae Variant Classification Sherloc (09022015). Collection method: clinical testing. Allele origin: germline.
Comment: This sequence change replaces proline, which is neutral and non-polar, with serine, which is neutral and polar, at codon 1557 of the ARID1A protein (p.Pro1557Ser). This variant is not present in population databases (gnomAD no frequency). This variant has not been reported in the literature in individuals affected with ARID1A-related conditions. Advanced modeling of protein sequence and biophysical properties (such as structural, functional, and spatial information, amino acid conservation, physicochemical variation, residue mobility, and thermodynamic stability) performed at Invitae indicates that this missense variant is not expected to disrupt ARID1A protein function with a negative predictive value of 80%. In summary, the available evidence is currently insufficient to determine the role of this variant in disease. Therefore, it has been classified as a Variant of Uncertain Significance.